The following is an entry in ClinVar:

ClinVar aggregate classification (germline): Uncertain significance (1 of 4 stars; one submission).

Submission:

Labcorp Genetics (formerly Invitae), Labcorp
Classification: Uncertain significance. Last evaluated: 2025-12-30. Review status: criteria provided, single submitter. Criteria: Invitae Variant Classification Sherloc (09022015). Collection method: clinical testing. Allele origin: germline.
Comment: This sequence change falls in intron 6 of the AAAS gene. It does not directly change the encoded amino acid sequence of the AAAS protein. It affects a nucleotide within the consensus splice site. This variant is present in population databases (no rsID available, gnomAD 0.002%). This variant has been observed in individual(s) with clinical features of AAA syndrome (internal data). Variants that disrupt the consensus splice site are a relatively common cause of aberrant splicing (PMID: 17576681, 9536098). In summary, the available evidence is currently insufficient to determine the role of this variant in disease. Therefore, it has been classified as a Variant of Uncertain Significance.

Literature cited by the submitters: PubMed 17576681; PubMed 9536098.

NM_015665.6(AAAS):c.525_545+4dup

Gene: AAAS (aladin WD repeat nucleoporin; minus strand). Cytogenetic location: 12q13.13.
Variant type: Duplication.
Coding change: c.525_545+4dup on transcript NM_015665.6 (MANE Select); coding-DNA position 525 through 4 bases into the intron after coding-DNA position 545, 25 bases duplicated (CCGTGTGTATAATGCCAGCAGGTGT).
Molecular consequence: splice donor variant. On other transcripts: intron variant (1).
Genome position (GRCh38, 1-based): chr12:53,314,747-53,314,771, ACACCTGCTGGCATTATACACACGG duplicated on the plus strand (CCGTGTGTATAATGCCAGCAGGTGT on the coding strand, the reverse complement: AAAS is on the minus strand); duplicating any 25 consecutive bases within chr12:53,314,747-53,314,773 gives the same sequence; the c. name uses the placement nearest the transcript's 3' end. VCF-style (leftmost placement, unchanged base first): chr12-53314746-C-CACACCTGCTGGCATTATACACACGG. GRCh37 (hg19) VCF-style: chr12-53708530-C-CACACCTGCTGGCATTATACACACGG.
Other names: c.446+323_447-306dup (NM_001173466.2).
Identifiers: ClinVar variation 4704316 (VCV004704316.1).